The following is an entry in ClinVar:

NM_006180.6(NTRK2):c.2368C>T (p.Arg790Ter)

Gene: NTRK2 (neurotrophic receptor tyrosine kinase 2; plus strand). Cytogenetic location: 9q21.33.
Variant type: single nucleotide variant.
Coding change: c.2368C>T on transcript NM_006180.6 (MANE Select); coding-DNA position 2368, C replaced by T.
Protein change: p.Arg790Ter; replaces arginine 790 with a stop codon.
Molecular consequence: nonsense.
Genome position (GRCh38, 1-based): chr9:85,021,288, C>T. VCF-style: chr9-85021288-C-T. GRCh37 (hg19) VCF-style: chr9-87636203-C-T.
Other names: c.2368C>T (NM_006180.4); c.2320C>T, p.Arg774Ter (NM_001018064.3, NM_001369532.1, NM_001369533.1); c.2284C>T, p.Arg762Ter (NM_001369534.1); c.1852C>T, p.Arg618Ter (NM_001369535.1); c.1900C>T, p.Arg634Ter (NM_001369536.1); c.2368C>T, p.Arg790Ter (NM_001381928.1); short protein forms R618*, R634*, R790*, R762*, R774*.
Identifiers: ClinVar variation 2087065 (VCV002087065.6), dbSNP rs2118003854, ClinGen allele CA374008874.

ClinVar aggregate classification (germline): Uncertain significance. Review status: criteria provided, multiple submitters, no conflicts (2 of 4 stars). 2 submissions from 2 submitters: Uncertain significance (2). Last evaluated 2024-10-10.

Conditions:
Obesity, hyperphagia, and developmental delay (OBHD). Identifiers: Orphanet 99704, MedGen C3151303, MONDO:0013483, OMIM 613886.

Submissions (2):

Victorian Clinical Genetics Services, Murdoch Childrens Research Institute
Classification: Uncertain significance for Obesity, hyperphagia, and developmental delay. Last evaluated: 2024-10-10. Review status: criteria provided, single submitter. Criteria: ACMG Guidelines, 2015. Collection method: clinical testing. Allele origin: germline. Inheritance: Autosomal dominant inheritance. Affected: yes.
Comment: Based on the classification scheme VCGS_Germline_v1.3.5, this variant is classified as VUS-3B. Following criteria are met: 0102 - Loss of function is a known mechanism of disease in this gene and is associated with developmental and epileptic encephalopathy 58 (MIM#617830). (I) 0107 - This gene is associated with autosomal dominant disease. (I) 0205 - Variant is predicted to result in a truncated protein (premature termination codon is NOT located at least 54 nucleotides upstream of the final exon-exon junction) with less than 1/3 of the protein sequence affected. (SP) 0219 - This variant is non-coding in an alternative transcript. This variant is noncoding in the majority of transcripts, but is coding in the ClinVar predominant/MANE select transcript (UCSC). However, this transcript is only weakly expressed, whereas the transcript this variant is non-coding in, is highly expressed (GTex). (I) 0251 - This variant is heterozygous. (I) 0301 - Variant is absent from gnomAD (v2, v3 and v4). (SP) 0600 - Variant results in the loss of part of the annotated protein tyrosine and serine/threonine kinase domain (DECIPHER). (I) 0710 - Another truncation variant comparable to the one identified in this case has inconclusive previous evidence for pathogenicity. A downstream truncation variant has been reported as VUS (ClinVar). (I) 0809 - Previous evidence of pathogenicity for this variant is inconclusive. This variant has been reported as a VUS (ClinVar). (I) 0905 - No published segregation evidence has been identified for this variant. (I) 1007 - No published functional evidence has been identified for this variant. (I) Legend: (SP) - Supporting pathogenic, (I) - Information, (SB) - Supporting benign

Labcorp Genetics (formerly Invitae), Labcorp
Classification: Uncertain significance. Last evaluated: 2022-06-04. Review status: criteria provided, single submitter. Criteria: Invitae Variant Classification Sherloc (09022015). Collection method: clinical testing. Allele origin: germline.
Comment: In summary, the available evidence is currently insufficient to determine the role of this variant in disease. Therefore, it has been classified as a Variant of Uncertain Significance. Experimental studies and prediction algorithms are not available or were not evaluated, and the functional significance of this variant is currently unknown. This variant has not been reported in the literature in individuals affected with NTRK2-related conditions. This variant is not present in population databases (gnomAD no frequency). This sequence change creates a premature translational stop signal (p.Arg790*) in the NTRK2 gene. While this is not anticipated to result in nonsense mediated decay, it is expected to disrupt the last 49 amino acid(s) of the NTRK2 protein.